The following is an entry in ClinVar:

NM_006204.4(PDE6C):c.1135G>A (p.Glu379Lys)

Gene: PDE6C (phosphodiesterase 6C; plus strand). Cytogenetic location: 10q23.33.
Variant type: single nucleotide variant.
Coding change: c.1135G>A on transcript NM_006204.4 (MANE Select); coding-DNA position 1135, G replaced by A.
Protein change: p.Glu379Lys; replaces glutamic acid 379 with lysine.
Molecular consequence: missense variant.
Genome position (GRCh38, 1-based): chr10:93,634,773, G>A. VCF-style: chr10-93634773-G-A. GRCh37 (hg19) VCF-style: chr10-95394530-G-A.
Other names: short protein forms E379K.
Identifiers: ClinVar variation 1899233 (VCV001899233.3), dbSNP rs148611776, ClinGen allele CA5610099.

ClinVar aggregate classification (germline): Uncertain significance. Review status: criteria provided, multiple submitters, no conflicts (2 of 4 stars). 2 submissions from 2 submitters: Uncertain significance (2). Last evaluated 2024-01-05.

Allele frequency attached by ClinVar (database versions not stated): ExAC 0.00004; gnomAD 0.00005; TOPMed 0.00007; ESP Exome Variant Server 0.00008.
gnomAD v4.1: 71 of 1,613,954 alleles (0.0044%); highest among the groups gnomAD compares: Non-Finnish European, 0.005%; no homozygotes.

Submissions (2):

Blueprint Genetics
Classification: Uncertain significance. Last evaluated: 2024-01-05. Review status: criteria provided, single submitter. Criteria: ACMG Guidelines, 2015. Collection method: clinical testing. Allele origin: germline.

Labcorp Genetics (formerly Invitae), Labcorp
Classification: Uncertain significance. Last evaluated: 2022-10-17. Review status: criteria provided, single submitter. Criteria: Invitae Variant Classification Sherloc (09022015). Collection method: clinical testing. Allele origin: germline.
Comment: This sequence change replaces glutamic acid, which is acidic and polar, with lysine, which is basic and polar, at codon 379 of the PDE6C protein (p.Glu379Lys). This variant is present in population databases (rs148611776, gnomAD 0.01%). This variant has not been reported in the literature in individuals affected with PDE6C-related conditions. Advanced modeling of protein sequence and biophysical properties (such as structural, functional, and spatial information, amino acid conservation, physicochemical variation, residue mobility, and thermodynamic stability) performed at Invitae indicates that this missense variant is not expected to disrupt PDE6C protein function. In summary, the available evidence is currently insufficient to determine the role of this variant in disease. Therefore, it has been classified as a Variant of Uncertain Significance.